The following is an entry in ClinVar:

ClinVar aggregate classification (germline): Uncertain significance (1 of 4 stars; one submission).

Conditions:
Cardiovascular phenotype. Identifiers: MedGen CN230736.

gnomAD v4.1: 1 of 1,563,230 alleles (0.000064%); highest among the groups gnomAD compares: Non-Finnish European, 0.000086%; no homozygotes.

Submission:

Ambry Genetics
Classification: Uncertain significance for Cardiovascular phenotype. Last evaluated: 2024-08-29. Review status: criteria provided, single submitter. Criteria: Ambry Variant Classification Scheme 2023. Collection method: clinical testing. Allele origin: germline.
Comment: The c.26687-1G>A intronic variant results from a G to A substitution one nucleotide upstream from coding exon 107 of the TTN gene. Exon 107 is located in the A-band region of the N2-B isoform of the titin protein and is constitutively expressed in TTN transcripts (percent spliced in or PSI 100%). This nucleotide position is highly conserved in available vertebrate species. In silico splice site analysis predicts that this alteration will weaken the native splice acceptor site and will result in the creation or strengthening of a novel splice acceptor site. This alteration disrupts the canonical splice site and is expected to cause aberrant splicing. However, although direct evidence is unavailable, this alteration is predicted to result in an in-frame transcript that is not expected to trigger nonsense-mediated mRNA decay. The exact functional effect of the predicted splice impact is unknown. Based on the available evidence, the clinical significance of this variant remains unclear.

NM_001267550.2(TTN):c.53882-1G>A

Genes: TTN (titin; minus strand), TTN-AS1 (TTN antisense RNA 1; plus strand). Cytogenetic location: 2q31.2.
Variant type: single nucleotide variant.
Coding change: c.53882-1G>A on transcript NM_001267550.2 (MANE Select); the canonical splice acceptor site of the intron before coding-DNA position 53882, G replaced by A.
Molecular consequence: splice acceptor variant. On other transcripts: non-coding transcript variant (1).
Genome position (GRCh38, 1-based): chr2:178,605,296, C>T on the plus strand (G>A on the coding strand, the complement: TTN is on the minus strand). VCF-style: chr2-178605296-C-T. GRCh37 (hg19) VCF-style: chr2-179470023-C-T.
Other names: c.26687-1G>A (NM_003319.4); c.27263-1G>A (NM_133437.4); c.27062-1G>A (NM_133432.3); c.46178-1G>A (NM_133378.4); c.48959-1G>A (NM_001256850.1).
Identifiers: ClinVar variation 3463759 (VCV003463759.1).
Genomic context (GRCh38, chr2:178,605,296, plus strand): 5'-CTGCCTTAACTTTGATAGTGTCTCCTCGAACACTCAGACGCAACTTAATAGTTGGAGGCA[C>T]TGCAAAGAGAAGAGAAAGAAAAACAGTAACAAAGTCATAAGGATGTTTTTTTCAACTTAT-3'